The following is an entry in ClinVar:

NM_001110556.2(FLNA):c.6164A>T (p.Gln2055Leu)

Gene: FLNA (filamin A; minus strand). Cytogenetic location: Xq28.
Variant type: single nucleotide variant.
Coding change: c.6164A>T on transcript NM_001110556.2 (MANE Select); coding-DNA position 6164, A replaced by T.
Protein change: p.Gln2055Leu; replaces glutamine 2055 with leucine.
Molecular consequence: missense variant.
Genome position (GRCh38, 1-based): chrX:154,353,063, T>A on the plus strand (A>T on the coding strand, the complement: FLNA is on the minus strand). VCF-style: chrX-154353063-T-A. GRCh37 (hg19) VCF-style: chrX-153581431-T-A.
Other names: c.6140A>T, p.Gln2047Leu (NM_001456.4); short protein forms Q2047L, Q2055L.
Identifiers: ClinVar variation 426662 (VCV000426662.3), dbSNP rs11541264, ClinGen allele CA415195618.

ClinVar aggregate classification (germline): Uncertain significance. Review status: criteria provided, multiple submitters, no conflicts (2 of 4 stars). 2 submissions from 2 submitters: Uncertain significance (2). Last evaluated 2026-07-11.

Conditions:
Familial thoracic aortic aneurysm and aortic dissection (TAAD). Also called: Thoracic aortic aneurysms and dissections. Identifiers: Orphanet 91387, MedGen C4707243, MONDO:0019625.

Submissions (2):

Ambry Genetics
Classification: Uncertain significance for Familial thoracic aortic aneurysm and aortic dissection. Last evaluated: 2026-07-11. Review status: criteria provided, single submitter. Criteria: Ambry Variant Classification Scheme 2023. Collection method: clinical testing. Allele origin: germline.
Comment: The p.Q2047L variant (also known as c.6140A>T), located in coding exon 36 of the FLNA gene, results from an A to T substitution at nucleotide position 6140. The glutamine at codon 2047 is replaced by leucine, an amino acid with dissimilar properties. This amino acid position is conserved. In addition, this alteration is predicted to be tolerated by in silico analysis. Based on the available evidence, the clinical significance of this variant remains unclear.

GeneDx
Classification: Uncertain significance. Last evaluated: 2017-04-07. Review status: criteria provided, single submitter. Criteria: GeneDx Variant Classification (06012015). Collection method: clinical testing. Allele origin: germline. Affected: yes.
Comment: The Q2047L variant in the FLNA gene has not been reported previously as a pathogenic variant, nor as a benign variant, to our knowledge. The Q2047L variant is not observed in large population cohorts (Lek et al., 2016; 1000 Genomes Consortium et al., 2015; Exome Variant Server). The Q2047L variant is a non-conservative amino acid substitution, which is likely to impact secondary protein structure as these residues differ in polarity, charge, size and/or other properties. This substitution occurs at a position that is not conserved. In silico analysis predicts this variant is probably damaging to the protein structure/function. We interpret Q2047L as a variant of uncertain significance.